The following is an entry in ClinVar:

NM_002485.5(NBN):c.2119G>A (p.Asp707Asn)

Gene: NBN (nibrin; minus strand). Cytogenetic location: 8q21.3.
Variant type: single nucleotide variant.
Coding change: c.2119G>A on transcript NM_002485.5 (MANE Select); coding-DNA position 2119, G replaced by A.
Protein change: p.Asp707Asn; replaces aspartic acid 707 with asparagine.
Molecular consequence: missense variant.
Genome position (GRCh38, 1-based): chr8:89,943,318, C>T on the plus strand (G>A on the coding strand, the complement: NBN is on the minus strand). VCF-style: chr8-89943318-C-T. GRCh37 (hg19) VCF-style: chr8-90955546-C-T.
Other names: c.1873G>A, p.Asp625Asn (NM_001024688.3); short protein forms D707N, D625N.
Identifiers: ClinVar variation 1786206 (VCV001786206.2), dbSNP rs2488191457, ClinGen allele CA371675618.

ClinVar aggregate classification (germline): Uncertain significance (1 of 4 stars; one submission).

Conditions:
Hereditary cancer-predisposing syndrome. Also called: Neoplastic Syndromes, Hereditary; Tumor predisposition; Hereditary Cancer Syndrome; Hereditary neoplastic syndrome. Identifiers: Orphanet 140162, MedGen C0027672, MeSH D009386, MONDO:0015356.

Submission:

Ambry Genetics
Classification: Uncertain significance for Hereditary cancer-predisposing syndrome. Last evaluated: 2019-12-30. Review status: criteria provided, single submitter. Criteria: Ambry Variant Classification Scheme 2023. Collection method: clinical testing. Allele origin: germline.
Comment: The p.D707N variant (also known as c.2119G>A), located in coding exon 14 of the NBN gene, results from a G to A substitution at nucleotide position 2119. The aspartic acid at codon 707 is replaced by asparagine, an amino acid with highly similar properties. This amino acid position is highly conserved in available vertebrate species. In addition, this alteration is predicted to be tolerated by in silico analysis. Since supporting evidence is limited at this time, the clinical significance of this alteration remains unclear.